The following is an entry in ClinVar:

ClinVar aggregate classification (germline): Pathogenic (1 of 4 stars; one submission).

gnomAD v4.1: 9 of 1,601,622 alleles (0.00056%); highest among the groups gnomAD compares: South Asian, 0.0011%; no homozygotes.

Submission:

Labcorp Genetics (formerly Invitae), Labcorp
Classification: Pathogenic. Last evaluated: 2025-04-19. Review status: criteria provided, single submitter. Criteria: Invitae Variant Classification Sherloc (09022015). Collection method: clinical testing. Allele origin: germline.
Comment: This sequence change creates a premature translational stop signal (p.Arg1522*) in the MPDZ gene. It is expected to result in an absent or disrupted protein product. Loss-of-function variants in MPDZ are known to be pathogenic (PMID: 23240096, 28556411). The frequency data for this variant in the population databases is considered unreliable, as metrics indicate poor data quality at this position in the gnomAD database. This variant has not been reported in the literature in individuals affected with MPDZ-related conditions. For these reasons, this variant has been classified as Pathogenic.

Literature cited by the submitters: PubMed 23240096; PubMed 28556411.

NM_001378778.1(MPDZ):c.4564C>T (p.Arg1522Ter)

Gene: MPDZ (multiple PDZ domain crumbs cell polarity complex component; minus strand). Cytogenetic location: 9p23.
Variant type: single nucleotide variant.
Coding change: c.4564C>T on transcript NM_001378778.1 (MANE Select); coding-DNA position 4564, C replaced by T.
Protein change: p.Arg1522Ter; replaces arginine 1522 with a stop codon.
Molecular consequence: nonsense.
Genome position (GRCh38, 1-based): chr9:13,126,584, G>A on the plus strand (C>T on the coding strand, the complement: MPDZ is on the minus strand). VCF-style: chr9-13126584-G-A. GRCh37 (hg19) VCF-style: chr9-13126583-G-A.
Other names: c.4465C>T, p.Arg1489Ter (NM_001261406.2, NM_001261407.2, NM_001375416.1 and 3 more transcripts); c.4564C>T, p.Arg1522Ter (NM_001330637.2, NM_003829.5); c.4663C>T, p.Arg1555Ter (NM_001375413.1); c.4354C>T, p.Arg1452Ter (NM_001375420.1, NM_001375421.1, NM_001375422.1 and 4 more transcripts); c.4156C>T, p.Arg1386Ter (NM_001375427.1); short protein forms R1489*, R1386*, R1452*, R1522*, R1555*.
Identifiers: ClinVar variation 4703476 (VCV004703476.1).